The following is an entry in ClinVar:

NC_000006.11:g.(?_152527283)_(152532743_?)del

Gene: SYNE1 (spectrin repeat containing nuclear envelope protein 1; minus strand). Cytogenetic location: 6q25.2.
Variant type: Deletion.
Identifiers: ClinVar variation 1445228 (VCV001445228.4).

ClinVar aggregate classification (germline): Uncertain significance (1 of 4 stars; one submission).

Conditions:
Emery-Dreifuss muscular dystrophy 4, autosomal dominant (EDMD4). Also called: EMERY-DREIFUSS MUSCULAR DYSTROPHY 4 WITH VARIABLE FEATURES. Identifiers: Orphanet 261, MedGen C2751807, MONDO:0013071, OMIM 612998.
Autosomal recessive ataxia, Beauce type. Also called: Spinocerebellar ataxia, autosomal recessive 8; ATAXIA, RECESSIVE, OF BEAUCE; SYNE1 Deficiency; SYNE1-Related Autosomal Recessive Cerebellar Ataxia. Identifiers: Orphanet 88644, MedGen C1853116, MONDO:0012549, OMIM 610743.

Submission:

Labcorp Genetics (formerly Invitae), Labcorp
Classification: Uncertain significance for Emery-Dreifuss muscular dystrophy 4, autosomal dominant; Autosomal recessive ataxia, Beauce type. Last evaluated: 2021-09-15. Review status: criteria provided, single submitter. Criteria: Invitae Variant Classification Sherloc (09022015). Collection method: clinical testing. Allele origin: germline.
Comment: In summary, the available evidence is currently insufficient to determine the role of this variant in disease. Therefore, it has been classified as a Variant of Uncertain Significance. Experimental studies and prediction algorithms are not available or were not evaluated, and the functional significance of this variant is currently unknown. This variant has not been reported in the literature in individuals affected with SYNE1-related conditions. This variant is a gross deletion of the genomic region encompassing exon(s) 123-125 of the SYNE1 gene. This variant would be expected to be in-frame, preserving the integrity of the reading frame.